The following is an entry in ClinVar:

NM_001131016.2(CIZ1):c.1093_1134del (p.Leu365_Gln378del)

Gene: CIZ1 (CDKN1A interacting zinc finger protein 1; minus strand). Cytogenetic location: 9q34.11.
Variant type: Deletion.
Coding change: c.1093_1134del on transcript NM_001131016.2 (MANE Select); coding-DNA positions 1093 to 1134, 42 bases deleted.
Protein change: p.Leu365_Gln378del.
Molecular consequence: inframe deletion.
Genome position (GRCh38, 1-based): chr9:128,179,073-128,179,114, 42 bases deleted; deleting any 42 consecutive bases within chr9:128,179,073-128,179,136 gives the same sequence; the c. name uses the placement nearest the transcript's 3' end. GRCh37 (hg19): chr9:130,941,374-130,941,415.
Other names: c.1093_1134del, p.Leu365_Gln378del (NM_001131015.2, NM_012127.3); c.1078_1119del, p.Leu360_Gln373del (NM_001131017.2); c.1021_1062del, p.Leu341_Gln354del (NM_001131018.2); c.1183_1224del, p.Leu395_Gln408del (NM_001257975.2); c.790_831del, p.Leu264_Gln277del (NM_001257976.2).
Identifiers: ClinVar variation 647891 (VCV000647891.10), dbSNP rs762407248, ClinGen allele CA5257374.

ClinVar aggregate classification (germline): Uncertain significance (1 of 4 stars; one submission).

Conditions:
Dystonic disorder. Also called: Dystonia. Identifiers: MedGen C0013421, MONDO:0003441, HP:0001332.

Submission:

Labcorp Genetics (formerly Invitae), Labcorp
Classification: Uncertain significance for Dystonic disorder. Last evaluated: 2022-01-06. Review status: criteria provided, single submitter. Criteria: Invitae Variant Classification Sherloc (09022015). Collection method: clinical testing. Allele origin: germline.
Comment: In summary, the available evidence is currently insufficient to determine the role of this variant in disease. Therefore, it has been classified as a Variant of Uncertain Significance. Algorithms developed to predict the effect of sequence changes on RNA splicing suggest that this variant may create or strengthen a splice site. Experimental studies and prediction algorithms are not available or were not evaluated, and the functional significance of this variant is currently unknown. ClinVar contains an entry for this variant (Variation ID: 647891). This variant has not been reported in the literature in individuals affected with CIZ1-related conditions. This variant is present in population databases (rs762407248, gnomAD 0.003%). This variant, c.1093_1134del, results in the deletion of 14 amino acid(s) of the CIZ1 protein (p.Leu365_Gln378del), but otherwise preserves the integrity of the reading frame.